The following is an entry in ClinVar:

NM_000350.3(ABCA4):c.5512C>T (p.His1838Tyr)

Gene: ABCA4 (ATP binding cassette subfamily A member 4; minus strand). Cytogenetic location: 1p22.1.
Variant type: single nucleotide variant.
Coding change: c.5512C>T on transcript NM_000350.3 (MANE Select); coding-DNA position 5512, C replaced by T.
Protein change: p.His1838Tyr; replaces histidine 1838 with tyrosine.
Molecular consequence: missense variant.
Genome position (GRCh38, 1-based): chr1:94,011,334, G>A on the plus strand (C>T on the coding strand, the complement: ABCA4 is on the minus strand). VCF-style: chr1-94011334-G-A. GRCh37 (hg19) VCF-style: chr1-94476890-G-A.
Other names: c.5290C>T, p.His1764Tyr (NM_001425324.1); short protein forms H1838Y, H1764Y.
Identifiers: ClinVar variation 99381 (VCV000099381.11), dbSNP rs62642562, ClinGen allele CA227315.
Genomic context (GRCh38, chr1:94,011,334, plus strand): 5'-AGACATCTGTCACAGCCTGGCTCAGTGCAAGGTCAATGAGGCCCCGGCCCAGGCAGAAGT[G>A]GGGGAAGACAATGAGCAGCTTCCTCAGCACGGCGTTGAACCTGAGCAGCGTCTGAAACAG-3'
Protein context (NP_000341.2, residues 1828-1848): VLRKLLIVFP[His1838Tyr]FCLGRGLIDL

ClinVar aggregate classification (germline): Pathogenic/Likely pathogenic. Review status: criteria provided, multiple submitters, no conflicts (2 of 4 stars). 3 submissions from 3 submitters: Pathogenic (1); Likely pathogenic (1). 1 of the submissions does not count toward it. Last evaluated 2025-04-11.

Conditions:
ABCA4-related disorder. Also called: ABCA4-related disorders; ABCA4-related condition. Identifiers: MedGen CN239167.

Allele frequency attached by ClinVar (database versions not stated): TOPMed 0.00001.

Submissions (3):

Labcorp Genetics (formerly Invitae), Labcorp
Classification: Pathogenic. Last evaluated: 2025-04-11. Review status: criteria provided, single submitter. Criteria: Invitae Variant Classification Sherloc (09022015). Collection method: clinical testing. Allele origin: germline.
Comment: This sequence change replaces histidine, which is basic and polar, with tyrosine, which is neutral and polar, at codon 1838 of the ABCA4 protein (p.His1838Tyr). This variant is not present in population databases (gnomAD no frequency). This missense change has been observed in individuals with clinical features of ABCA4-related conditions (PMID: 9973280, 30029497, 33732702). ClinVar contains an entry for this variant (Variation ID: 99381). Invitae Evidence Modeling of protein sequence and biophysical properties (such as structural, functional, and spatial information, amino acid conservation, physicochemical variation, residue mobility, and thermodynamic stability) indicates that this missense variant is expected to disrupt ABCA4 protein function with a positive predictive value of 95%. This variant disrupts the p.His183 amino acid residue in ABCA4. Other variant(s) that disrupt this residue have been determined to be pathogenic (PMID: 28771251). This suggests that this residue is clinically significant, and that variants that disrupt this residue are likely to be disease-causing. For these reasons, this variant has been classified as Pathogenic.

Blueprint Genetics
Classification: Likely pathogenic for ABCA4-related disorders. Last evaluated: 2018-05-07. Review status: criteria provided, single submitter. Criteria: ACMG Guidelines, 2015. Collection method: clinical testing. Allele origin: germline. Affected: yes. Observed: 1 variant allele.

Retina International
No classification provided. Review status: no classification provided. Collection method: not provided. Allele origin: not provided. Not counted in ClinVar's aggregate classification.

Literature cited by the submitters: PubMed 9973280 (cited by Labcorp Genetics (formerly Invitae), Labcorp); PubMed 30029497 (cited by Labcorp Genetics (formerly Invitae), Labcorp); PubMed 33732702 (cited by Labcorp Genetics (formerly Invitae), Labcorp); PubMed 28771251 (cited by Labcorp Genetics (formerly Invitae), Labcorp).